The following is an entry in ClinVar:

NM_001261826.3(AP3D1):c.593-8T>C

Gene: AP3D1 (adaptor related protein complex 3 subunit delta 1; minus strand). Cytogenetic location: 19p13.3.
Variant type: single nucleotide variant.
Coding change: c.593-8T>C on transcript NM_001261826.3 (MANE Select); 8 bases into the intron before coding-DNA position 593, T replaced by C.
Molecular consequence: intron variant.
Genome position (GRCh38, 1-based): chr19:2,129,465, A>G on the plus strand (T>C on the coding strand, the complement: AP3D1 is on the minus strand). VCF-style: chr19-2129465-A-G. GRCh37 (hg19) VCF-style: chr19-2129464-A-G.
Other names: c.593-8T>C (NM_003938.8, NM_001374799.1).
Identifiers: ClinVar variation 5000334 (VCV005000334.1).

ClinVar aggregate classification (germline): Likely benign (1 of 4 stars; one submission).

Conditions:
AP3D1-related disorder. Also called: AP3D1-related condition.

gnomAD v4.1: 1 of 1,611,474 alleles (0.000062%); highest among the groups gnomAD compares: Non-Finnish European, 0.000085%; no homozygotes.

Submission:

PreventionGenetics, part of Exact Sciences
Classification: Likely benign for AP3D1-related condition. Last evaluated: 2026-09-02. Review status: criteria provided, single submitter. Criteria: ACMG Guidelines, 2015. Collection method: clinical testing. Allele origin: germline.
Comment: This variant is classified as likely benign based on ACMG/AMP sequence variant interpretation guidelines (Richards et al. 2015 PMID: 25741868, with internal and published modifications).